The following is an entry in ClinVar:

ClinVar aggregate classification (germline): Uncertain significance (1 of 4 stars; one submission).

Conditions:
COG7 congenital disorder of glycosylation (CDG2E). Also called: CONGENITAL DISORDER OF GLYCOSYLATION, TYPE IIe; CDG IIe. Identifiers: Orphanet 79333, MedGen C2931010, MONDO:0012118, OMIM 608779.

Submission:

Labcorp Genetics (formerly Invitae), Labcorp
Classification: Uncertain significance for COG7 congenital disorder of glycosylation. Last evaluated: 2024-10-28. Review status: criteria provided, single submitter. Criteria: Invitae Variant Classification Sherloc (09022015). Collection method: clinical testing. Allele origin: germline.
Comment: This sequence change replaces proline, which is neutral and non-polar, with serine, which is neutral and polar, at codon 672 of the COG7 protein (p.Pro672Ser). This variant is not present in population databases (gnomAD no frequency). This variant has not been reported in the literature in individuals affected with COG7-related conditions. ClinVar contains an entry for this variant (Variation ID: 2101867). Invitae Evidence Modeling of protein sequence and biophysical properties (such as structural, functional, and spatial information, amino acid conservation, physicochemical variation, residue mobility, and thermodynamic stability) indicates that this missense variant is not expected to disrupt COG7 protein function with a negative predictive value of 80%. In summary, the available evidence is currently insufficient to determine the role of this variant in disease. Therefore, it has been classified as a Variant of Uncertain Significance.

NM_153603.4(COG7):c.2014C>T (p.Pro672Ser)

Gene: COG7 (component of oligomeric golgi complex 7; minus strand). Cytogenetic location: 16p12.2.
Variant type: single nucleotide variant.
Coding change: c.2014C>T on transcript NM_153603.4 (MANE Select); coding-DNA position 2014, C replaced by T.
Protein change: p.Pro672Ser; replaces proline 672 with serine.
Molecular consequence: missense variant.
Genome position (GRCh38, 1-based): chr16:23,392,512, G>A on the plus strand (C>T on the coding strand, the complement: COG7 is on the minus strand). VCF-style: chr16-23392512-G-A. GRCh37 (hg19) VCF-style: chr16-23403833-G-A.
Other names: short protein forms P672S.
Identifiers: ClinVar variation 2101867 (VCV002101867.4), dbSNP rs2506542392, ClinGen allele CA395116519.
Genomic context (GRCh38, chr16:23,392,512, plus strand): 5'-TCTGCATTGTGGCTCTGGCGATCGAGCCCAGCCAGTTGTCAGCCATGTTGTCCAGCTCGG[G>A]CAATTCATCCCCTGAAAAGAAAAGGAGGTCACCAAGGAAAACACAGGCCTGCAGTAGCTG-3'
Protein context (NP_705831.1, residues 662-682): PFPPEQGDEL[Pro672Ser]ELDNMADNWL